The following is an entry in ClinVar:

NM_002878.4(RAD51D):c.104A>T (p.Asp35Val)

Genes: RAD51L3-RFFL (RAD51L3-RFFL readthrough; minus strand), RAD51D (RAD51 paralog D; minus strand). Cytogenetic location: 17q12.
Variant type: single nucleotide variant.
Coding change: c.104A>T on transcript NM_002878.4 (MANE Select); coding-DNA position 104, A replaced by T.
Protein change: p.Asp35Val; replaces aspartic acid 35 with valine.
Molecular consequence: missense variant. On other transcripts: non-coding transcript variant (2).
Genome position (GRCh38, 1-based): chr17:35,119,151, T>A on the plus strand (A>T on the coding strand, the complement: RAD51D is on the minus strand). VCF-style: chr17-35119151-T-A. GRCh37 (hg19) VCF-style: chr17-33446170-T-A.
Other names: c.104A>T, p.Asp35Val (NM_001142571.2, NM_133629.3); short protein forms D35V.
Identifiers: ClinVar variation 960713 (VCV000960713.10), dbSNP rs2091788848, ClinGen allele CA399091941.
Genomic context (GRCh38, chr17:35,119,151, plus strand): 5'-TGTGGAGATCAGGAGCTCACCTTGTAAGACAAGCCACATTTCTGAGCTACCTCTTCCAGG[T>A]CTGCAGAAACCAGGTCCACCACTGAAAACAAAACACGTATAGCGGATTGGCAGAGAGGAC-3'
Protein context (NP_002869.3, residues 25-45): IKTVVDLVSA[Asp35Val]LEEVAQKCGL

ClinVar aggregate classification (germline): Uncertain significance. Review status: criteria provided, multiple submitters, no conflicts (2 of 4 stars). 2 submissions from 2 submitters: Uncertain significance (2). Last evaluated 2025-09-11.

Conditions:
Hereditary cancer-predisposing syndrome. Also called: Tumor predisposition; Hereditary neoplastic syndrome; Neoplastic Syndromes, Hereditary; Hereditary Cancer Syndrome. Identifiers: Orphanet 140162, MedGen C0027672, MeSH D009386, MONDO:0015356.
Breast-ovarian cancer, familial, susceptibility to, 4. Identifiers: Orphanet 145, MedGen C3280345, MONDO:0013669, OMIM 614291.

Submissions (2):

Ambry Genetics
Classification: Uncertain significance for Hereditary cancer-predisposing syndrome. Last evaluated: 2025-09-11. Review status: criteria provided, single submitter. Criteria: Ambry Variant Classification Scheme 2023. Collection method: clinical testing. Allele origin: germline.
Comment: The p.D35V variant (also known as c.104A>T), located in coding exon 2 of the RAD51D gene, results from an A to T substitution at nucleotide position 104. The aspartic acid at codon 35 is replaced by valine, an amino acid with highly dissimilar properties. This amino acid position is conserved. In addition, the in silico prediction for this alteration is inconclusive. Based on the available evidence, the clinical significance of this variant remains unclear.

Labcorp Genetics (formerly Invitae), Labcorp
Classification: Uncertain significance for Breast-ovarian cancer, familial, susceptibility to, 4. Last evaluated: 2022-10-26. Review status: criteria provided, single submitter. Criteria: Invitae Variant Classification Sherloc (09022015). Collection method: clinical testing. Allele origin: germline.
Comment: This sequence change replaces aspartic acid, which is acidic and polar, with valine, which is neutral and non-polar, at codon 35 of the RAD51D protein (p.Asp35Val). This variant is not present in population databases (gnomAD no frequency). In summary, the available evidence is currently insufficient to determine the role of this variant in disease. Therefore, it has been classified as a Variant of Uncertain Significance. Algorithms developed to predict the effect of missense changes on protein structure and function are either unavailable or do not agree on the potential impact of this missense change (SIFT: "Deleterious"; PolyPhen-2: "Probably Damaging"; Align-GVGD: "Class C0"). ClinVar contains an entry for this variant (Variation ID: 960713). This variant has not been reported in the literature in individuals affected with RAD51D-related conditions.